The following is an entry in ClinVar:

NM_001458.5(FLNC):c.371A>C (p.Asp124Ala)

Gene: FLNC (filamin C; plus strand). Cytogenetic location: 7q32.1.
Variant type: single nucleotide variant.
Coding change: c.371A>C on transcript NM_001458.5 (MANE Select); coding-DNA position 371, A replaced by C.
Protein change: p.Asp124Ala; replaces aspartic acid 124 with alanine.
Molecular consequence: missense variant.
Genome position (GRCh38, 1-based): chr7:128,835,344, A>C. VCF-style: chr7-128835344-A-C. GRCh37 (hg19) VCF-style: chr7-128475398-A-C.
Other names: c.371A>C, p.Asp124Ala (NM_001127487.2); short protein forms D124A.
Identifiers: ClinVar variation 2950935 (VCV002950935.3), dbSNP rs2536614448, ClinGen allele CA369218609.

ClinVar aggregate classification (germline): Uncertain significance (1 of 4 stars; one submission).

Conditions:
Myofibrillar myopathy 5. Also called: Filaminopathy (type); FILAMINOPATHY, AUTOSOMAL DOMINANT. Identifiers: Orphanet 171445, MedGen C1836050, MONDO:0012289, OMIM 609524.
Distal myopathy with posterior leg and anterior hand involvement. Also called: WILLIAMS DISTAL MYOPATHY. Identifiers: Orphanet 63273, MedGen C3279722, MONDO:0013550, OMIM 614065.
Hypertrophic cardiomyopathy 26. Also called: Cardiomyopathy, familial hypertrophic, 26. Identifiers: Orphanet 75249, MedGen C4310749, MONDO:0014883, OMIM 617047.

Submission:

Labcorp Genetics (formerly Invitae), Labcorp
Classification: Uncertain significance for Distal myopathy with posterior leg and anterior hand involvement; Myofibrillar myopathy 5; Hypertrophic cardiomyopathy 26. Last evaluated: 2023-08-11. Review status: criteria provided, single submitter. Criteria: Invitae Variant Classification Sherloc (09022015). Collection method: clinical testing. Allele origin: germline.
Comment: This sequence change replaces aspartic acid, which is acidic and polar, with alanine, which is neutral and non-polar, at codon 124 of the FLNC protein (p.Asp124Ala). In summary, the available evidence is currently insufficient to determine the role of this variant in disease. Therefore, it has been classified as a Variant of Uncertain Significance. Advanced modeling of protein sequence and biophysical properties (such as structural, functional, and spatial information, amino acid conservation, physicochemical variation, residue mobility, and thermodynamic stability) has been performed at Invitae for this missense variant, however the output from this modeling did not meet the statistical confidence thresholds required to predict the impact of this variant on FLNC protein function. This variant has not been reported in the literature in individuals affected with FLNC-related conditions. This variant is not present in population databases (gnomAD no frequency).